The following is an entry in ClinVar:

NM_000642.3(AGL):c.293+1G>T

Gene: AGL (amylo-alpha-1,6-glucosidase and 4-alpha-glucanotransferase; plus strand). Cytogenetic location: 1p21.2.
Variant type: single nucleotide variant.
Coding change: c.293+1G>T on transcript NM_000642.3 (MANE Select); the canonical splice donor site of the intron after coding-DNA position 293, G replaced by T.
Molecular consequence: splice donor variant. On other transcripts: intron variant (1).
Genome position (GRCh38, 1-based): chr1:99,861,714, G>T. VCF-style: chr1-99861714-G-T. GRCh37 (hg19) VCF-style: chr1-100327270-G-T.
Other names: c.293+1G>T (NM_000643.3, NM_000644.3, NM_001425326.1 and 5 more transcripts); c.245+1G>T (NM_000646.3); c.83-2672G>T (NM_001425332.1).
Identifiers: ClinVar variation 1999088 (VCV001999088.6), dbSNP rs946922101, ClinGen allele CA341330249.
Genomic context (GRCh38, chr1:99,861,714, plus strand): 5'-TAAATACTGTAAACTTAATCTGCAACAATCTGGTTCATTTCAGTATTATTTCCTTCAAGG[G>T]TAAGTCAGGTGTTTTGTTTGTGAGAAAAAAAGTTAATTTGTTCTGTAATTTGAAGTCACC-3'

ClinVar aggregate classification (germline): Pathogenic/Likely pathogenic. Review status: criteria provided, multiple submitters, no conflicts (2 of 4 stars). 3 submissions from 3 submitters: Pathogenic (1); Likely pathogenic (2). Last evaluated 2024-04-18.

Conditions:
Glycogen storage disease type III (GSD3). Also called: FORBES DISEASE; Cori disease. Identifiers: Orphanet 366, MedGen C0017922, MONDO:0009291, OMIM 232400.

Submissions (3):

Natera, Inc.
Classification: Likely pathogenic for Glycogen storage disease type III. Last evaluated: 2024-04-18. Review status: criteria provided, single submitter. Criteria: Natera Variant Classification Schema (03/2026). Collection method: clinical testing. Allele origin: germline.
Comment: The c.293+1G>T variant in AGL is a canonical splice donor site variant predicted to affect pre-mRNA splicing, which may result in an abnormal transcript and altered protein product. This variant is expected to result in nonsense mediated decay, truncation, or a dysfunctional protein product. This variant is rare in the general population with a frequency below the threshold expected for the associated phenotype(s). Given the available evidence, this variant is classified as Likely Pathogenic.

Labcorp Genetics (formerly Invitae), Labcorp
Classification: Pathogenic for Glycogen storage disease type III. Last evaluated: 2024-01-16. Review status: criteria provided, single submitter. Criteria: Invitae Variant Classification Sherloc (09022015). Collection method: clinical testing. Allele origin: germline.
Comment: This sequence change affects a donor splice site in intron 3 of the AGL gene. It is expected to disrupt RNA splicing. Variants that disrupt the donor or acceptor splice site typically lead to a loss of protein function (PMID: 16199547), and loss-of-function variants in AGL are known to be pathogenic (PMID: 19299494). This variant is not present in population databases (gnomAD no frequency). Disruption of this splice site has been observed in individual(s) with glycogen storage disease type III (PMID: 19834502). ClinVar contains an entry for this variant (Variation ID: 1999088). Algorithms developed to predict the effect of sequence changes on RNA splicing suggest that this variant may disrupt the consensus splice site. For these reasons, this variant has been classified as Pathogenic.

Baylor Genetics
Classification: Likely pathogenic for Glycogen storage disease type III. Last evaluated: 2022-05-17. Review status: criteria provided, single submitter. Criteria: ACMG Guidelines, 2015. Collection method: clinical testing. Allele origin: unknown.

Literature cited by the submitters: PubMed 16199547 (cited by Labcorp Genetics (formerly Invitae), Labcorp); PubMed 19299494 (cited by Labcorp Genetics (formerly Invitae), Labcorp); PubMed 19834502 (cited by Labcorp Genetics (formerly Invitae), Labcorp).